The following is an entry in ClinVar:

NM_005876.5(SPEG):c.5023G>C (p.Glu1675Gln)

Gene: SPEG (striated muscle enriched protein kinase; plus strand). Cytogenetic location: 2q35.
Variant type: single nucleotide variant.
Coding change: c.5023G>C on transcript NM_005876.5 (MANE Select); coding-DNA position 5023, G replaced by C.
Protein change: p.Glu1675Gln; replaces glutamic acid 1675 with glutamine.
Molecular consequence: missense variant.
Genome position (GRCh38, 1-based): chr2:219,478,101, G>C. VCF-style: chr2-219478101-G-C. GRCh37 (hg19) VCF-style: chr2-220342823-G-C.
Other names: short protein forms E1675Q.
Identifiers: ClinVar variation 1810028 (VCV001810028.5), dbSNP rs758577613, ClinGen allele CA2126699.

ClinVar aggregate classification (germline): Uncertain significance. Review status: criteria provided, multiple submitters, no conflicts (2 of 4 stars). 2 submissions from 2 submitters: Uncertain significance (2). Last evaluated 2023-01-09.

Conditions:
Inborn genetic diseases. Identifiers: MedGen C0950123, MeSH D030342.

Allele frequency attached by ClinVar (database versions not stated): ExAC 0.00002; gnomAD 0.00003; TOPMed 0.00005.
gnomAD v4.1: 8 of 1,613,328 alleles (0.0005%); highest among the groups gnomAD compares: African/African-American, 0.0093%; no homozygotes.

Submissions (2):

GeneDx
Classification: Uncertain significance. Last evaluated: 2023-01-09. Review status: criteria provided, single submitter. Criteria: GeneDx Variant Classification Process June 2021. Collection method: clinical testing. Allele origin: germline. Affected: yes.
Comment: In silico analysis supports that this missense variant has a deleterious effect on protein structure/function; Has not been previously published as pathogenic or benign to our knowledge

Ambry Genetics
Classification: Uncertain significance for Inborn genetic diseases. Last evaluated: 2021-08-09. Review status: criteria provided, single submitter. Criteria: Ambry Variant Classification Scheme 2023. Collection method: clinical testing. Allele origin: germline.